The following is an entry in ClinVar:

NM_005591.4(MRE11):c.1775G>A (p.Arg592Lys)

Gene: MRE11 (MRE11 double strand break repair nuclease; minus strand). Cytogenetic location: 11q21.
Variant type: single nucleotide variant.
Coding change: c.1775G>A on transcript NM_005591.4 (MANE Select); coding-DNA position 1775, G replaced by A.
Protein change: p.Arg592Lys; replaces arginine 592 with lysine.
Molecular consequence: missense variant.
Genome position (GRCh38, 1-based): chr11:94,447,227, C>T on the plus strand (G>A on the coding strand, the complement: MRE11 is on the minus strand). VCF-style: chr11-94447227-C-T. GRCh37 (hg19) VCF-style: chr11-94180393-C-T.
Other names: c.1775G>A, p.Arg592Lys (NM_001330347.2, NM_005590.4); short protein forms R592K.
Identifiers: ClinVar variation 2676693 (VCV002676693.2), dbSNP rs1945958389, ClinGen allele CA382368049.

ClinVar aggregate classification (germline): Uncertain significance. Review status: criteria provided, multiple submitters, no conflicts (2 of 4 stars). 2 submissions from 2 submitters: Uncertain significance (2). Last evaluated 2024-04-19.

Conditions:
Hereditary cancer-predisposing syndrome. Also called: Neoplastic Syndromes, Hereditary; Tumor predisposition; Hereditary Cancer Syndrome; Hereditary neoplastic syndrome. Identifiers: Orphanet 140162, MedGen C0027672, MeSH D009386, MONDO:0015356.
Ataxia-telangiectasia-like disorder 1 (ATLD1). Identifiers: Orphanet 251347, MedGen C4012790, MONDO:0024557, OMIM 604391.

Allele frequency attached by ClinVar (database versions not stated): gnomAD exomes below 0.00001.
gnomAD v4.1: 3 of 1,612,824 alleles (0.00019%); highest among the groups gnomAD compares: Non-Finnish European, 0.00025%; no homozygotes.

Submissions (2):

Ambry Genetics
Classification: Uncertain significance for Hereditary cancer-predisposing syndrome. Last evaluated: 2024-04-19. Review status: criteria provided, single submitter. Criteria: Ambry Variant Classification Scheme 2023. Collection method: clinical testing. Allele origin: germline.
Comment: The p.R592K variant (also known as c.1775G>A), located in coding exon 14 of the MRE11A gene, results from a G to A substitution at nucleotide position 1775. The arginine at codon 592 is replaced by lysine, an amino acid with highly similar properties. This amino acid position is conserved. In addition, the in silico prediction for this alteration is inconclusive. Based on the available evidence, the clinical significance of this variant remains unclear.

Baylor Genetics
Classification: Uncertain significance for Ataxia-telangiectasia-like disorder 1. Last evaluated: 2023-05-18. Review status: criteria provided, single submitter. Criteria: ACMG Guidelines, 2015. Collection method: clinical testing. Allele origin: unknown.